The following is an entry in ClinVar:

NM_000426.4(LAMA2):c.8919G>A (p.Thr2973=)

Gene: LAMA2 (laminin subunit alpha 2; plus strand). Cytogenetic location: 6q22.33.
Variant type: single nucleotide variant.
Coding change: c.8919G>A on transcript NM_000426.4 (MANE Select); coding-DNA position 8919, G replaced by A.
Protein change: p.Thr2973=; no amino-acid change (threonine 2973 retained).
Molecular consequence: synonymous variant.
Genome position (GRCh38, 1-based): chr6:129,512,424, G>A. VCF-style: chr6-129512424-G-A. GRCh37 (hg19) VCF-style: chr6-129833569-G-A.
Other names: c.8907G>A, p.Thr2969= (NM_001079823.2); c.8919G>A (NM_000426.3).
Identifiers: ClinVar variation 1155357 (VCV001155357.10), dbSNP rs771954617, ClinGen allele CA3994970.

ClinVar aggregate classification (germline): Likely benign. Review status: criteria provided, multiple submitters, no conflicts (2 of 4 stars). 2 submissions from 2 submitters: Likely benign (2). Last evaluated 2025-12-24.

Conditions:
LAMA2-related muscular dystrophy (LAMA2-RD). Also called: Laminin alpha 2-related dystrophy. Identifiers: MedGen C5679788, MONDO:0100228.
LAMA2-related disorder. Also called: LAMA2-related disorders; LAMA2-related condition.

Allele frequency attached by ClinVar (database versions not stated): gnomAD 0.00001; TOPMed 0.00001; ExAC 0.00002; gnomAD exomes 0.00003.
gnomAD v4.1: 30 of 1,613,154 alleles (0.0019%); highest among the groups gnomAD compares: Admixed American, 0.015%; no homozygotes.

Submissions (2):

Labcorp Genetics (formerly Invitae), Labcorp
Classification: Likely benign for LAMA2-related muscular dystrophy. Last evaluated: 2025-12-24. Review status: criteria provided, single submitter. Criteria: Invitae Variant Classification Sherloc (09022015). Collection method: clinical testing. Allele origin: germline.

PreventionGenetics, part of Exact Sciences
Classification: Likely benign for LAMA2-related condition. Last evaluated: 2025-06-18. Review status: criteria provided, single submitter. Criteria: ACMG Guidelines, 2015. Collection method: clinical testing. Allele origin: germline.
Comment: This variant is classified as likely benign based on ACMG/AMP sequence variant interpretation guidelines (Richards et al. 2015 PMID: 25741868, with internal and published modifications).